The following is an entry in ClinVar:

ClinVar aggregate classification (germline): Likely benign (0 of 4 stars; one submission).

Conditions:
DNMT3B-related disorder. Also called: DNMT3B-related condition.

gnomAD v4.1: 2 of 1,614,240 alleles (0.00012%); highest among the groups gnomAD compares: Non-Finnish European, 0.000085%; no homozygotes.

Submission:

PreventionGenetics, part of Exact Sciences
Classification: Likely benign for DNMT3B-related condition. Last evaluated: 2023-07-11. Review status: no assertion criteria provided. Collection method: clinical testing. Allele origin: germline.
Comment: This variant is classified as likely benign based on ACMG/AMP sequence variant interpretation guidelines (Richards et al. 2015 PMID: 25741868, with internal and published modifications).

NM_006892.4(DNMT3B):c.1767A>G (p.Leu589=)

Gene: DNMT3B (DNA methyltransferase 3 beta; plus strand). Cytogenetic location: 20q11.21.
Variant type: single nucleotide variant.
Coding change: c.1767A>G on transcript NM_006892.4 (MANE Select); coding-DNA position 1767, A replaced by G.
Protein change: p.Leu589=; no amino-acid change (leucine 589 retained).
Molecular consequence: synonymous variant.
Genome position (GRCh38, 1-based): chr20:32,800,160, A>G. VCF-style: chr20-32800160-A-G. GRCh37 (hg19) VCF-style: chr20-31387966-A-G.
Other names: c.1581A>G, p.Leu527= (NM_001207055.2, NM_001424354.1, NM_001424357.1); c.1479A>G, p.Leu493= (NM_001207056.2); c.1767A>G, p.Leu589= (NM_001424351.1, NM_001424355.1); c.1641A>G, p.Leu547= (NM_001424352.1, NM_001424356.1, NM_001424358.1); c.1707A>G, p.Leu569= (NM_001424353.1, NM_175848.2, NM_175849.2); c.1743A>G, p.Leu581= (NM_001424359.1, NM_175850.3); c.1617A>G, p.Leu539= (NM_001424360.1).
Identifiers: ClinVar variation 3030309 (VCV003030309.2), dbSNP rs777676882, ClinGen allele CA510210586.